The following is an entry in ClinVar:

ClinVar aggregate classification (germline): Benign/Likely benign. Review status: criteria provided, multiple submitters, no conflicts (2 of 4 stars). 2 submissions from 2 submitters: Benign (1); Likely benign (1). Last evaluated 2025-09-10.

Conditions:
Hemochromatosis type 4 (HFE4). Also called: HEMOCHROMATOSIS DUE TO DEFECT IN FERROPORTIN; HEMOCHROMATOSIS, AUTOSOMAL DOMINANT; Ferroportin disease. Identifiers: Orphanet 139491, Orphanet 647834, Orphanet 648562, MedGen C1853733, MONDO:0011631, OMIM 606069.

Allele frequency attached by ClinVar (database versions not stated): TOPMed 0.00001; gnomAD exomes 0.00002; 1000 Genomes Project 0.00020; ExAC 0.00002; gnomAD 0.00001; 1000 Genomes Project 30x 0.00016.
gnomAD v4.1: 10 of 1,556,264 alleles (0.00064%); highest among the groups gnomAD compares: East Asian, 0.011%; no homozygotes.

Submissions (2):

Women's Health and Genetics/Laboratory Corporation of America, LabCorp
Classification: Likely benign. Last evaluated: 2025-09-10. Review status: criteria provided, single submitter. Criteria: LabCorp Variant Classification Summary - May 2015. Collection method: clinical testing. Allele origin: germline.

Illumina Laboratory Services, Illumina
Classification: Benign for Hemochromatosis type 4. Last evaluated: 2018-01-12. Review status: criteria provided, single submitter. Criteria: ICSL Variant Classification Criteria 13 December 2019. Collection method: clinical testing. Allele origin: germline.
Comment: This variant was observed in the ICSL laboratory as part of a predisposition screen in an ostensibly healthy population. It had not been previously curated by ICSL or reported in the Human Gene Mutation Database (HGMD: prior to June 1st, 2018), and was therefore a candidate for classification through an automated scoring system. Utilizing variant allele frequency, disease prevalence and penetrance estimates, and inheritance mode, an automated score was calculated to assess if this variant is too frequent to cause the disease. Based on the score and internal cut-off values, a variant classified as benign is not then subjected to further curation. The score for this variant resulted in a classification of benign for this disease.

NM_014585.6(SLC40A1):c.388-14T>A

Gene: SLC40A1 (solute carrier family 40 member 1; minus strand). Cytogenetic location: 2q32.2.
Variant type: single nucleotide variant.
Coding change: c.388-14T>A on transcript NM_014585.6 (MANE Select); 14 bases into the intron before coding-DNA position 388, T replaced by A.
Molecular consequence: intron variant.
Genome position (GRCh38, 1-based): chr2:189,571,855, A>T on the plus strand (T>A on the coding strand, the complement: SLC40A1 is on the minus strand). VCF-style: chr2-189571855-A-T. GRCh37 (hg19) VCF-style: chr2-190436581-A-T.
Identifiers: ClinVar variation 333169 (VCV000333169.6), dbSNP rs569873762, ClinGen allele CA2024235.